The following is an entry in ClinVar:

ClinVar aggregate classification (germline): Uncertain significance. Review status: criteria provided, multiple submitters, no conflicts (2 of 4 stars). 2 submissions from 2 submitters: Uncertain significance (2). Last evaluated 2026-03-01.

Conditions:
Cardiovascular phenotype. Identifiers: MedGen CN230736.

Submissions (2):

CeGaT Center for Human Genetics Tuebingen
Classification: Uncertain significance. Last evaluated: 2026-03-01. Review status: criteria provided, single submitter. Criteria: CeGaT Center For Human Genetics Tuebingen Variant Classification Criteria Version 2. Collection method: clinical testing. Allele origin: germline. Affected: yes. Observed: 1 variant allele.
Comment: TTN: PM2, PM4:Supporting

Molecular Diagnostic Laboratory for Inherited Cardiovascular Disease, Montreal Heart Institute
Classification: Uncertain significance for Cardiovascular phenotype. Last evaluated: 2025-04-09. Review status: criteria provided, single submitter. Criteria: ACMG Guidelines, 2015. Collection method: clinical testing. Allele origin: germline. Affected: yes.
Comment: PM2, PM4

NM_001267550.2(TTN):c.84095_84097dup (p.Thr28032_Tyr28033insSer)

Genes: TTN (titin; minus strand), TTN-AS1 (TTN antisense RNA 1; plus strand). Cytogenetic location: 2q31.2.
Variant type: Duplication.
Coding change: c.84095_84097dup on transcript NM_001267550.2 (MANE Select); coding-DNA positions 84095 to 84097, 3 bases duplicated (CTT; older notation c.84095_84097dupCTT).
Protein change: p.Thr28032_Tyr28033insSer.
Genome position (GRCh38, 1-based): chr2:178,562,035-178,562,037, AAG duplicated on the plus strand (CTT on the coding strand, the reverse complement: TTN is on the minus strand). VCF-style (leftmost placement, unchanged base first): chr2-178562034-T-TAAG. GRCh37 (hg19) VCF-style: chr2-179426761-T-TAAG.
Other names: c.79172_79174dup, p.Thr26391_Tyr26392insSer (NM_001256850.1); c.56900_56902dup, p.Thr18967_Tyr18968insSer (NM_003319.4); c.76391_76393dup, p.Thr25464_Tyr25465insSer (NM_133378.4); c.57275_57277dup, p.Thr19092_Tyr19093insSer (NM_133432.3); c.57476_57478dup, p.Thr19159_Tyr19160insSer (NM_133437.4).
Identifiers: ClinVar variation 3894923 (VCV003894923.5).